The following is an entry in ClinVar:

NM_001035.3(RYR2):c.5664G>C (p.Arg1888=)

Gene: RYR2 (ryanodine receptor 2; plus strand). Cytogenetic location: 1q43.
Variant type: single nucleotide variant.
Coding change: c.5664G>C on transcript NM_001035.3 (MANE Select); coding-DNA position 5664, G replaced by C.
Protein change: p.Arg1888=; no amino-acid change (arginine 1888 retained).
Molecular consequence: synonymous variant.
Genome position (GRCh38, 1-based): chr1:237,614,792, G>C. VCF-style: chr1-237614792-G-C. GRCh37 (hg19) VCF-style: chr1-237778092-G-C.
Other names: c.5664G>C, p.Arg1888= (LRG_402t1).
Identifiers: ClinVar variation 384704 (VCV000384704.21), dbSNP rs758277755, ClinGen allele CA086932.
Genomic context (GRCh38, chr1:237,614,792, plus strand): 5'-CAGTGTGGACGATGCAAAGCTGCAAGGAGCTGGTGAGGAAGAAGCCAAGGGGGGCAAGCG[G>C]CCCAAGGAAGGCCTGCTCCAAATGAAACTGCCAGAGCCAGTTAAATTGCAGGTAATCAGA-3'
Protein context (NP_001026.2, residues 1878-1898): AGEEEAKGGK[Arg1888=]PKEGLLQMKL

ClinVar aggregate classification (germline): Likely benign. Review status: criteria provided, multiple submitters, no conflicts (2 of 4 stars). 7 submissions from 7 submitters: Likely benign (7). Last evaluated 2025-10-31.

Conditions:
Catecholaminergic polymorphic ventricular tachycardia (CVPT). Also called: Catecholamine-induced polymorphic ventricular tachycardia. Identifiers: Orphanet 3286, MedGen C5574922, MONDO:0017990.
Catecholaminergic polymorphic ventricular tachycardia 1. Also called: RYR2-Related Catecholaminergic Polymorphic Ventricular Tachycardia; VENTRICULAR TACHYCARDIA, STRESS-INDUCED POLYMORPHIC 1; VENTRICULAR TACHYCARDIA, CATECHOLAMINERGIC POLYMORPHIC, 1, WITH OR WITHOUT ATRIAL DYSFUNCTION AND/OR DILATED CARDIOMYOPATHY. Identifiers: Orphanet 3286, MedGen C1631597, MONDO:0011484, OMIM 604772.
Ventricular arrhythmias due to cardiac ryanodine receptor calcium release deficiency syndrome. Also called: Autosomal dominant cardiac arrhythmia (Kuhn). Identifiers: MedGen C5542154, MONDO:0020745, OMIM 115000.
Arrhythmogenic right ventricular dysplasia 2. Identifiers: MedGen C1832931.
Cardiovascular phenotype. Identifiers: MedGen CN230736.
Cardiomyopathy (CMYO). Also called: Cardiomyopathies. Identifiers: Orphanet 167848, MedGen C0878544, MONDO:0004994, HP:0001638. Inheritance: Various modes of inheritance.

Allele frequency attached by ClinVar (database versions not stated): gnomAD exomes 0.00001; TOPMed 0.00002; ExAC 0.00003.
gnomAD v4.1: 37 of 1,605,916 alleles (0.0023%); highest among the groups gnomAD compares: Non-Finnish European, 0.0027%; no homozygotes.

Submissions (7):

Labcorp Genetics (formerly Invitae), Labcorp
Classification: Likely benign for Catecholaminergic polymorphic ventricular tachycardia 1. Last evaluated: 2025-10-31. Review status: criteria provided, single submitter. Criteria: Invitae Variant Classification Sherloc (09022015). Collection method: clinical testing. Allele origin: germline.

Blueprint Genetics
Classification: Likely benign. Last evaluated: 2024-11-20. Review status: criteria provided, single submitter. Criteria: ACMG Guidelines, 2015. Collection method: clinical testing. Allele origin: germline.

All of Us Research Program, National Institutes of Health
Classification: Likely benign for Catecholaminergic polymorphic ventricular tachycardia. Last evaluated: 2023-10-02. Review status: criteria provided, single submitter. Criteria: ACMG Guidelines, 2015. Collection method: clinical testing. Allele origin: germline. Inheritance: Autosomal dominant inheritance. Observed: 7 variant alleles, 7 heterozygotes.
Comment: This study involves interpretation of variants in research participants for the purpose of population health screening. Participant phenotype was not available at the time of variant classification. Additional details can be found in publication PMID: 35346344, PMCID: PMC8962531

Fulgent Genetics
Classification: Likely benign for Ventricular arrhythmias due to cardiac ryanodine receptor calcium release deficiency syndrome; Catecholaminergic polymorphic ventricular tachycardia 1. Last evaluated: 2021-07-20. Review status: criteria provided, single submitter. Criteria: ACMG Guidelines, 2015. Collection method: clinical testing. Allele origin: unknown.

Color Diagnostics, LLC DBA Color Health
Classification: Likely benign for Cardiomyopathy. Last evaluated: 2020-12-08. Review status: criteria provided, single submitter. Criteria: ACMG Guidelines, 2015. Collection method: clinical testing. Allele origin: germline.

Ambry Genetics
Classification: Likely benign for Cardiovascular phenotype. Last evaluated: 2018-11-27. Review status: criteria provided, single submitter. Criteria: Ambry Variant Classification Scheme 2023. Collection method: clinical testing. Allele origin: germline.

GeneDx
Classification: Likely benign. Last evaluated: 2018-07-18. Review status: criteria provided, single submitter. Criteria: GeneDx Variant Classification Process June 2021. Collection method: clinical testing. Allele origin: germline. Affected: yes.